The following is an entry in ClinVar:

NM_033124.5(DRC2):c.683A>T (p.Asp228Val)

Gene: DRC2 (dynein regulatory complex subunit 2; plus strand). Cytogenetic location: 12q13.12.
Variant type: single nucleotide variant.
Coding change: c.683A>T on transcript NM_033124.5 (MANE Select); coding-DNA position 683, A replaced by T.
Protein change: p.Asp228Val; replaces aspartic acid 228 with valine.
Molecular consequence: missense variant.
Genome position (GRCh38, 1-based): chr12:48,918,348, A>T. VCF-style: chr12-48918348-A-T. GRCh37 (hg19) VCF-style: chr12-49312131-A-T.
Other names: c.254A>T, p.Asp85Val (NM_001286957.2); short protein forms D228V, D85V.
Identifiers: ClinVar variation 700072 (VCV000700072.12), dbSNP rs142550817, ClinGen allele CA6543309.

ClinVar aggregate classification (germline): Conflicting classifications of pathogenicity. Review status: criteria provided, conflicting classifications (1 of 4 stars). 2 submissions from 2 submitters: Uncertain significance (1); Likely benign (1). Last evaluated 2025-11-03.

Conditions:
Primary ciliary dyskinesia 27. Also called: CILIARY DYSKINESIA, PRIMARY, 27, WITHOUT SITUS INVERSUS. Identifiers: Orphanet 244, MedGen C3809701, MONDO:0014215, OMIM 615504.

Allele frequency attached by ClinVar (database versions not stated): gnomAD exomes 0.00007 and 0.00029; gnomAD 0.00014 and 0.00018; 1000 Genomes Project 0.00120; TOPMed 0.00016; ExAC 0.00023; 1000 Genomes Project 30x 0.00094.
gnomAD v4.1: 127 of 1,614,224 alleles (0.0079%); highest among the groups gnomAD compares: East Asian, 0.27%; no homozygotes.

Submissions (2):

Labcorp Genetics (formerly Invitae), Labcorp
Classification: Likely benign for Primary ciliary dyskinesia 27. Last evaluated: 2025-11-03. Review status: criteria provided, single submitter. Criteria: Invitae Variant Classification Sherloc (09022015). Collection method: clinical testing. Allele origin: germline.

Victorian Clinical Genetics Services, Murdoch Childrens Research Institute
Classification: Uncertain significance for Primary ciliary dyskinesia 27. Last evaluated: 2020-06-11. Review status: criteria provided, single submitter. Criteria: ACMG Guidelines, 2015. Collection method: clinical testing. Allele origin: germline. Inheritance: Autosomal recessive inheritance. Affected: yes.
Comment: Based on the classification scheme VCGS_Germline_v1.1.1, this variant is classified as VUS - 3C. Following criteria are met: 0102 - Loss-of-function is a likely mechanism of disease for this gene and currently, protein termination codons are the only variant type reported pathogenic in this gene (PMID: 23991085, PMID: 24094744). (N) 0106 - This gene is known to be associated with autosomal recessive disease. (N) 0200 - Variant is predicted to result in a missense amino acid change from an aspartic acid to a valine (exon 5). (N) 0251 - Variant is heterozygous. (N) 0304 - Variant is present in gnomAD v2 <0.01 for a recessive condition (79 heterozygotes, 0 homozygotes). (P) 0309 - An alternative amino acid change at the same position has been observed in gnomAD v2 (1 heterozygote, 0 homozygotes). (N) 0503 - Missense variant consistently predicted to be tolerated or not conserved in mammals with a minor amino acid change. (B) 0604 - Variant is not located in an established domain, motif, hotspot or informative constraint region. (N) 0705 - No comparable variants have previous evidence for pathogenicity. (N) 0806 - Moderate previous evidence of neutrality in unrelated individuals. This variant has been reported as likely benign (ClinVar). (B) 0905 - No segregation evidence has been identified for this variant. (N) 1007 - No published functional evidence has been identified for this variant. (N) 1208 - Inheritance information for this variant is not currently available. (N) Legend: (P) - Pathogenic, (N) - Neutral, (B) - Benign

Literature cited by the submitters: PubMed 23991085 (cited by Victorian Clinical Genetics Services, Murdoch Childrens Research Institute); PubMed 24094744 (cited by Victorian Clinical Genetics Services, Murdoch Childrens Research Institute).